The following is an entry in ClinVar:

NM_000166.6(GJB1):c.670C>T (p.Arg224Cys)

Gene: GJB1 (gap junction protein beta 1; plus strand). Cytogenetic location: Xq13.1.
Variant type: single nucleotide variant.
Coding change: c.670C>T on transcript NM_000166.6 (MANE Select); coding-DNA position 670, C replaced by T.
Protein change: p.Arg224Cys; replaces arginine 224 with cysteine.
Molecular consequence: missense variant.
Genome position (GRCh38, 1-based): chrX:71,224,377, C>T. VCF-style: chrX-71224377-C-T. GRCh37 (hg19) VCF-style: chrX-70444227-C-T.
Other names: c.670C>T, p.Arg224Cys (NM_001097642.3); short protein forms R224C.
Identifiers: ClinVar variation 543928 (VCV000543928.12), dbSNP rs1426533412, ClinGen allele CA413503470.

ClinVar aggregate classification (germline): Uncertain significance. Review status: criteria provided, multiple submitters, no conflicts (2 of 4 stars). 3 submissions from 3 submitters: Uncertain significance (2). 1 of the submissions does not count toward it. Last evaluated 2021-08-31.

Conditions:
Charcot-Marie-Tooth disease. Also called: Charcot-Marie-Tooth Neuropathy; Charcot-Marie-Tooth Hereditary Neuropathy. Identifiers: Orphanet 166, MedGen C0007959, MONDO:0015626.
Charcot-Marie-Tooth Neuropathy X. Identifiers: MedGen CN118851.
Charcot-Marie-Tooth disease X-linked dominant 1. Also called: Charcot-Marie-Tooth Neuropathy X Type 1; GJB1 Disorders: Charcot-Marie-Tooth Neuropathy (CMT1X) and Central Nervous System Phenotypes; CHARCOT-MARIE-TOOTH NEUROPATHY, X-LINKED, 1; CHARCOT-MARIE-TOOTH PERONEAL MUSCULAR ATROPHY, X-LINKED; HEREDITARY MOTOR AND SENSORY NEUROPATHY, X-LINKED; HMSN, X-LINKED. Identifiers: Orphanet 101075, MedGen C0393808, MONDO:0010549, OMIM 302800.

Allele frequency attached by ClinVar (database versions not stated): gnomAD 0.00001; gnomAD exomes 0.00001.

Submissions (3):

Labcorp Genetics (formerly Invitae), Labcorp
Classification: Uncertain significance for Charcot-Marie-Tooth Neuropathy X. Last evaluated: 2021-08-31. Review status: criteria provided, single submitter. Criteria: Invitae Variant Classification Sherloc (09022015). Collection method: clinical testing. Allele origin: germline.
Comment: This sequence change replaces arginine with cysteine at codon 224 of the GJB1 protein (p.Arg224Cys). The arginine residue is moderately conserved and there is a large physicochemical difference between arginine and cysteine. This variant is not present in population databases (ExAC no frequency). This variant has not been reported in the literature in individuals affected with GJB1-related conditions. Algorithms developed to predict the effect of missense changes on protein structure and function are either unavailable or do not agree on the potential impact of this missense change (SIFT: "Deleterious"; PolyPhen-2: "Benign"; Align-GVGD: "Class C0"). In summary, the available evidence is currently insufficient to determine the role of this variant in disease. Therefore, it has been classified as a Variant of Uncertain Significance.

Genomic Research Center, Shahid Beheshti University of Medical Sciences
Classification: Uncertain significance for X-linked hereditary motor and sensory neuropathy. Last evaluated: 2019-04-27. Review status: criteria provided, single submitter. Criteria: ACMG Guidelines, 2015. Collection method: clinical testing. Allele origin: unknown. Affected: yes.

Natera, Inc.
Classification: Uncertain significance for Charcot-Marie-Tooth disease. Last evaluated: 2020-08-16. Review status: no assertion criteria provided. Collection method: clinical testing. Allele origin: germline. Not counted in ClinVar's aggregate classification.